The following is an entry in ClinVar:

ClinVar aggregate classification (germline): Benign/Likely benign. Review status: criteria provided, multiple submitters, no conflicts (2 of 4 stars). 6 submissions from 6 submitters: Benign (2); Likely benign (3). 1 of the submissions does not count toward it. Last evaluated 2026-01-31.

Conditions:
Inborn genetic diseases. Identifiers: MedGen C0950123, MeSH D030342.
SAMD9-related disorder. Also called: SAMD9-related condition.

Allele frequency attached by ClinVar (database versions not stated): gnomAD exomes 0.00025 and 0.00077; ExAC 0.00093; 1000 Genomes Project 0.00260; 1000 Genomes Project 30x 0.00265; ESP Exome Variant Server 0.00308; gnomAD 0.00345 and 0.00377; TOPMed 0.00364.
gnomAD v4.1: 905 of 1,613,884 alleles (0.056%); highest among the groups gnomAD compares: African/African-American, 1.1%; 8 homozygotes.

Submissions (6):

Labcorp Genetics (formerly Invitae), Labcorp
Classification: Benign. Last evaluated: 2026-01-31. Review status: criteria provided, single submitter. Criteria: Invitae Variant Classification Sherloc (09022015). Collection method: clinical testing. Allele origin: germline.

Blueprint Genetics
Classification: Likely benign. Last evaluated: 2024-11-11. Review status: criteria provided, single submitter. Criteria: ACMG Guidelines, 2015. Collection method: clinical testing. Allele origin: germline.

Ambry Genetics
Classification: Likely benign for Inborn genetic diseases. Last evaluated: 2024-10-02. Review status: criteria provided, single submitter. Criteria: Ambry Variant Classification Scheme 2023. Collection method: clinical testing. Allele origin: germline.

GeneDx
Classification: Likely benign. Last evaluated: 2020-10-19. Review status: criteria provided, single submitter. Criteria: GeneDx Variant Classification Process June 2021. Collection method: clinical testing. Allele origin: germline. Affected: yes.

Genetic Services Laboratory, University of Chicago
Classification: Benign. Last evaluated: 2020-07-10. Review status: criteria provided, single submitter. Criteria: ACMG Guidelines, 2015. Collection method: clinical testing. Allele origin: germline. Affected: no.

PreventionGenetics, part of Exact Sciences
Classification: Likely benign for SAMD9-related condition. Last evaluated: 2021-02-24. Review status: no assertion criteria provided. Collection method: clinical testing. Allele origin: germline. Not counted in ClinVar's aggregate classification.
Comment: This variant is classified as likely benign based on ACMG/AMP sequence variant interpretation guidelines (Richards et al. 2015 PMID: 25741868, with internal and published modifications).

NM_017654.4(SAMD9):c.1920C>T (p.Val640=)

Gene: SAMD9 (sterile alpha motif domain containing 9; minus strand). Cytogenetic location: 7q21.2.
Variant type: single nucleotide variant.
Coding change: c.1920C>T on transcript NM_017654.4 (MANE Select); coding-DNA position 1920, C replaced by T.
Protein change: p.Val640=; no amino-acid change (valine 640 retained).
Molecular consequence: synonymous variant.
Genome position (GRCh38, 1-based): chr7:93,104,178, G>A on the plus strand (C>T on the coding strand, the complement: SAMD9 is on the minus strand). VCF-style: chr7-93104178-G-A. GRCh37 (hg19) VCF-style: chr7-92733491-G-A.
Other names: c.1920C>T, p.Val640= (NM_001193307.2).
Identifiers: ClinVar variation 729633 (VCV000729633.19), dbSNP rs115425131, ClinGen allele CA4342909.